The following is an entry in ClinVar:

NM_003001.5(SDHC):c.71T>A (p.Ile24Asn)

Gene: SDHC (succinate dehydrogenase complex subunit C; plus strand). Cytogenetic location: 1q23.3.
Variant type: single nucleotide variant.
Coding change: c.71T>A on transcript NM_003001.5 (MANE Select); coding-DNA position 71, T replaced by A.
Protein change: p.Ile24Asn; replaces isoleucine 24 with asparagine.
Molecular consequence: missense variant. On other transcripts: 5 prime UTR variant (2), non-coding transcript variant (1), intron variant (4).
Genome position (GRCh38, 1-based): chr1:161,323,664, T>A. VCF-style: chr1-161323664-T-A. GRCh37 (hg19) VCF-style: chr1-161293454-T-A.
Other names: c.71T>A, p.Ile24Asn (NM_001035511.3, NM_001035512.3, NM_001278172.3 and 2 more transcripts); c.-41T>A (NM_001407119.1); c.-159T>A (NM_001407120.1); c.21-4732T>A (NM_001407116.1, NM_001407121.1, NM_001407117.1); c.20+9239T>A (NM_001035513.3); short protein forms I24N.
Identifiers: ClinVar variation 1505402 (VCV001505402.9), dbSNP rs2102295698, ClinGen allele CA343359616.

ClinVar aggregate classification (germline): Uncertain significance (1 of 4 stars; one submission).

Conditions:
Pheochromocytoma/paraganglioma syndrome 3. Also called: GLOMUS TUMORS, FAMILIAL, 3; Paragangliomas 3; SDHC-Related Hereditary Paraganglioma-Pheochromocytoma Syndrome (Paragangliomas 3); SDHC-Related Hereditary Paraganglioma-Pheochromocytoma Syndrome. Identifiers: Orphanet 29072, MedGen C1854336, MONDO:0011544, OMIM 605373.
Gastrointestinal stromal tumor. Also called: Gastrointestinal stromal tumor, somatic; Gastrointestinal stroma tumor. Identifiers: Orphanet 44890, MedGen C0238198, MeSH D046152, MONDO:0011719, OMIM 606764, HP:0100723.

Submission:

Labcorp Genetics (formerly Invitae), Labcorp
Classification: Uncertain significance for Pheochromocytoma/paraganglioma syndrome 3; Gastrointestinal stromal tumor. Last evaluated: 2021-03-26. Review status: criteria provided, single submitter. Criteria: Invitae Variant Classification Sherloc (09022015). Collection method: clinical testing. Allele origin: germline.
Comment: In summary, the available evidence is currently insufficient to determine the role of this variant in disease. Therefore, it has been classified as a Variant of Uncertain Significance. Algorithms developed to predict the effect of missense changes on protein structure and function are either unavailable or do not agree on the potential impact of this missense change (SIFT: "Deleterious"; PolyPhen-2: "Benign"; Align-GVGD: "Class C0"). This variant has not been reported in the literature in individuals with SDHC-related conditions. This variant is not present in population databases (ExAC no frequency). This sequence change replaces isoleucine with asparagine at codon 24 of the SDHC protein (p.Ile24Asn). The isoleucine residue is moderately conserved and there is a large physicochemical difference between isoleucine and asparagine.